The following is an entry in ClinVar:

ClinVar aggregate classification (germline): Uncertain significance (1 of 4 stars; one submission).

Conditions:
Cardiovascular phenotype. Identifiers: MedGen CN230736.

Submission:

Ambry Genetics
Classification: Uncertain significance for Cardiovascular phenotype. Last evaluated: 2026-08-19. Review status: criteria provided, single submitter. Criteria: Ambry Variant Classification Scheme 2023. Collection method: clinical testing. Allele origin: germline.
Comment: The p.R596S variant (also known as c.1788G>T), located in coding exon 15 of the RAF1 gene, results from a G to T substitution at nucleotide position 1788. The arginine at codon 596 is replaced by serine, an amino acid with dissimilar properties. This amino acid position is conserved. In addition, this alteration is predicted to be deleterious by in silico analysis. Based on the available evidence, the clinical significance of this variant remains unclear.

NM_002880.4(RAF1):c.1788G>T (p.Arg596Ser)

Gene: RAF1 (Raf-1 proto-oncogene, serine/threonine kinase; minus strand). Cytogenetic location: 3p25.2.
Variant type: single nucleotide variant.
Coding change: c.1788G>T on transcript NM_002880.4 (MANE Select); coding-DNA position 1788, G replaced by T.
Protein change: p.Arg596Ser; replaces arginine 596 with serine.
Molecular consequence: missense variant. On other transcripts: non-coding transcript variant (3).
Genome position (GRCh38, 1-based): chr3:12,584,862, C>A on the plus strand (G>T on the coding strand, the complement: RAF1 is on the minus strand). VCF-style: chr3-12584862-C-A. GRCh37 (hg19) VCF-style: chr3-12626361-C-A.
Other names: c.1848G>T, p.Arg616Ser (NM_001354689.3); c.1788G>T, p.Arg596Ser (NM_001354690.3); c.1545G>T, p.Arg515Ser (NM_001354691.3, NM_001354692.3); c.1689G>T, p.Arg563Ser (NM_001354693.3); c.1605G>T, p.Arg535Ser (NM_001354694.3); c.1446G>T, p.Arg482Ser (NM_001354695.3); short protein forms R563S, R616S, R482S, R535S, R596S, R515S.
Identifiers: ClinVar variation 5027856 (VCV005027856.1).